The following is an entry in ClinVar:

ClinVar aggregate classification (germline): Uncertain significance (1 of 4 stars; one submission).

Submission:

Labcorp Genetics (formerly Invitae), Labcorp
Classification: Uncertain significance. Last evaluated: 2025-07-25. Review status: criteria provided, single submitter. Criteria: Invitae Variant Classification Sherloc (09022015). Collection method: clinical testing. Allele origin: germline.
Comment: This sequence change replaces leucine, which is neutral and non-polar, with phenylalanine, which is neutral and non-polar, at codon 12 of the BCAP31 protein (p.Leu12Phe). This variant is not present in population databases (gnomAD no frequency). This variant has not been reported in the literature in individuals affected with BCAP31-related conditions. An algorithm developed to predict the effect of missense changes on protein structure and function (PolyPhen-2) suggests that this variant is likely to be disruptive. In summary, the available evidence is currently insufficient to determine the role of this variant in disease. Therefore, it has been classified as a Variant of Uncertain Significance.

NM_001256447.2(BCAP31):c.34C>T (p.Leu12Phe)

Gene: BCAP31 (B cell receptor associated protein 31; minus strand). Cytogenetic location: Xq28.
Variant type: single nucleotide variant.
Coding change: c.34C>T on transcript NM_001256447.2 (MANE Select); coding-DNA position 34, C replaced by T.
Protein change: p.Leu12Phe; replaces leucine 12 with phenylalanine.
Molecular consequence: missense variant.
Genome position (GRCh38, 1-based): chrX:153,723,211, G>A on the plus strand (C>T on the coding strand, the complement: BCAP31 is on the minus strand). VCF-style: chrX-153723211-G-A. GRCh37 (hg19) VCF-style: chrX-152988666-G-A.
Other names: c.34C>T, p.Leu12Phe (NM_001139441.1, NM_005745.8); c.235C>T, p.Leu79Phe (NM_001139457.2); short protein forms L12F, L79F.
Identifiers: ClinVar variation 4724004 (VCV004724004.1).